The following is an entry in ClinVar:

NM_020778.5(ALPK3):c.353A>G (p.Asp118Gly)

Gene: ALPK3 (alpha kinase 3; plus strand). Cytogenetic location: 15q25.3.
Variant type: single nucleotide variant.
Coding change: c.353A>G on transcript NM_020778.5 (MANE Select); coding-DNA position 353, A replaced by G.
Protein change: p.Asp118Gly; replaces aspartic acid 118 with glycine.
Molecular consequence: missense variant.
Genome position (GRCh38, 1-based): chr15:84,839,028, A>G. VCF-style: chr15-84839028-A-G. GRCh37 (hg19) VCF-style: chr15-85382259-A-G.
Other names: short protein forms D118G.
Identifiers: ClinVar variation 1357894 (VCV001357894.8), dbSNP rs1596149322, ClinGen allele CA393371885.

ClinVar aggregate classification (germline): Uncertain significance (1 of 4 stars; one submission).

Submission:

Labcorp Genetics (formerly Invitae), Labcorp
Classification: Uncertain significance. Last evaluated: 2024-10-15. Review status: criteria provided, single submitter. Criteria: Invitae Variant Classification Sherloc (09022015). Collection method: clinical testing. Allele origin: germline.
Comment: This sequence change replaces aspartic acid, which is acidic and polar, with glycine, which is neutral and non-polar, at codon 320 of the ALPK3 protein (p.Asp320Gly). This variant is not present in population databases (gnomAD no frequency). This variant has not been reported in the literature in individuals affected with ALPK3-related conditions. ClinVar contains an entry for this variant (Variation ID: 1357894). An algorithm developed to predict the effect of missense changes on protein structure and function (PolyPhen-2) suggests that this variant is likely to be disruptive. In summary, the available evidence is currently insufficient to determine the role of this variant in disease. Therefore, it has been classified as a Variant of Uncertain Significance.